The following is an entry in ClinVar:

NM_003839.4(TNFRSF11A):c.1558C>G (p.Pro520Ala)

Gene: TNFRSF11A (TNF receptor superfamily member 11a; plus strand). Cytogenetic location: 18q21.33.
Variant type: single nucleotide variant.
Coding change: c.1558C>G on transcript NM_003839.4 (MANE Select); coding-DNA position 1558, C replaced by G.
Protein change: p.Pro520Ala; replaces proline 520 with alanine.
Molecular consequence: missense variant. On other transcripts: intron variant (3).
Genome position (GRCh38, 1-based): chr18:62,369,475, C>G. VCF-style: chr18-62369475-C-G. GRCh37 (hg19) VCF-style: chr18-60036708-C-G.
Other names: c.1516C>G, p.Pro506Ala (NM_001278268.2); c.783+2715C>G (NM_001270949.2); c.730+7682C>G (NM_001270950.2); c.616+9426C>G (NM_001270951.2); short protein forms P506A, P520A.
Identifiers: ClinVar variation 1989156 (VCV001989156.4), dbSNP rs1036336599, ClinGen allele CA301704640.
Genomic context (GRCh38, chr18:62,369,475, plus strand): 5'-AGGCTCCCAAGCTCAGCGAGGGCAGGTGCCGGGTCTGGAAGCTCCCCTGGTGGCCAGTCC[C>G]CTGCATCTGGTAAGTGACTTCCCAGTCTCTCACTTCTGAGCAGAAGGGCCAGTTCTTGGT-3'
Protein context (NP_003830.1, residues 510-530): GSGSSPGGQS[Pro520Ala]ASGNVTGNSN

ClinVar aggregate classification (germline): Uncertain significance (1 of 4 stars; one submission).

Allele frequency attached by ClinVar (database versions not stated): gnomAD 0.00001; TOPMed 0.00001.

Submission:

Labcorp Genetics (formerly Invitae), Labcorp
Classification: Uncertain significance. Last evaluated: 2025-03-07. Review status: criteria provided, single submitter. Criteria: Invitae Variant Classification Sherloc (09022015). Collection method: clinical testing. Allele origin: germline.
Comment: This sequence change replaces proline, which is neutral and non-polar, with alanine, which is neutral and non-polar, at codon 520 of the TNFRSF11A protein (p.Pro520Ala). This variant is present in population databases (no rsID available, gnomAD 0.0009%). This variant has not been reported in the literature in individuals affected with TNFRSF11A-related conditions. ClinVar contains an entry for this variant (Variation ID: 1989156). An algorithm developed to predict the effect of missense changes on protein structure and function (PolyPhen-2) suggests that this variant is likely to be disruptive. In summary, the available evidence is currently insufficient to determine the role of this variant in disease. Therefore, it has been classified as a Variant of Uncertain Significance.